The following is an entry in ClinVar:

ClinVar aggregate classification (germline): Benign (1 of 4 stars; one submission).

gnomAD v4.1: 1,452 of 1,613,726 alleles (0.09%); highest among the groups gnomAD compares: East Asian, 1.5%; 16 homozygotes.

Submission:

CeGaT Center for Human Genetics Tuebingen
Classification: Benign. Last evaluated: 2024-08-01. Review status: criteria provided, single submitter. Criteria: CeGaT Center For Human Genetics Tuebingen Variant Classification Criteria Version 2. Collection method: clinical testing. Allele origin: germline. Affected: yes. Observed: 1 variant allele.
Comment: SLC25A36: BP4, BP7, BS1, BS2

NM_001104647.3(SLC25A36):c.142C>T (p.Leu48=)

Gene: SLC25A36 (solute carrier family 25 member 36; plus strand). Cytogenetic location: 3q23.
Variant type: single nucleotide variant.
Coding change: c.142C>T on transcript NM_001104647.3 (MANE Select); coding-DNA position 142, C replaced by T.
Protein change: p.Leu48=; no amino-acid change (leucine 48 retained).
Molecular consequence: synonymous variant.
Genome position (GRCh38, 1-based): chr3:140,956,627, C>T. VCF-style: chr3-140956627-C-T. GRCh37 (hg19) VCF-style: chr3-140675469-C-T.
Other names: c.142C>T, p.Leu48= (NM_018155.3).
Identifiers: ClinVar variation 3341633 (VCV003341633.16).